The following is an entry in ClinVar:

NM_022841.7(RFX7):c.52C>G (p.Gln18Glu)

Gene: RFX7 (regulatory factor X7; minus strand). Cytogenetic location: 15q21.3.
Variant type: single nucleotide variant.
Coding change: c.52C>G on transcript NM_022841.7 (MANE Select); coding-DNA position 52, C replaced by G.
Protein change: p.Gln18Glu; replaces glutamine 18 with glutamic acid.
Molecular consequence: missense variant. On other transcripts: 5 prime UTR variant (1).
Genome position (GRCh38, 1-based): chr15:56,243,234, G>C on the plus strand (C>G on the coding strand, the complement: RFX7 is on the minus strand). VCF-style: chr15-56243234-G-C. GRCh37 (hg19) VCF-style: chr15-56535432-G-C.
Other names: c.-206C>G (NM_001368073.2); c.52C>G, p.Gln18Glu (NM_001370561.1); short protein forms Q18E.
Identifiers: ClinVar variation 2580543 (VCV002580543.1), dbSNP rs2043731656, ClinGen allele CA490543285.

ClinVar aggregate classification (germline): Uncertain significance (1 of 4 stars; one submission).

Allele frequency attached by ClinVar (database versions not stated): gnomAD exomes below 0.00001; TOPMed below 0.00001.
gnomAD v4.1: 1 of 1,322,864 alleles (0.000076%); highest among the groups gnomAD compares: South Asian, 0.0012%; no homozygotes.

Submission:

GeneDx
Classification: Uncertain significance. Last evaluated: 2023-03-24. Review status: criteria provided, single submitter. Criteria: GeneDx Variant Classification Process June 2021. Collection method: clinical testing. Allele origin: germline. Affected: yes.
Comment: Not observed at significant frequency in large population cohorts (gnomAD); In silico analysis supports that this missense variant does not alter protein structure/function; Has not been previously published as pathogenic or benign to our knowledge